The following is an entry in ClinVar:

ClinVar aggregate classification (germline): Uncertain significance (1 of 4 stars; one submission).

gnomAD v4.1: 2 of 1,614,128 alleles (0.00012%); highest among the groups gnomAD compares: African/African-American, 0.0027%; no homozygotes.

Submission:

GeneDx
Classification: Uncertain significance. Last evaluated: 2024-06-18. Review status: criteria provided, single submitter. Criteria: GeneDx Variant Classification Process June 2021. Collection method: clinical testing. Allele origin: germline. Affected: yes.
Comment: Not observed at significant frequency in large population cohorts (gnomAD); In silico analysis supports that this missense variant has a deleterious effect on protein structure/function; Has not been previously published as pathogenic or benign to our knowledge

NM_001110219.3(GJB6):c.478G>A (p.Gly160Arg)

Gene: GJB6 (gap junction protein beta 6; minus strand). Cytogenetic location: 13q12.11.
Variant type: single nucleotide variant.
Coding change: c.478G>A on transcript NM_001110219.3 (MANE Select); coding-DNA position 478, G replaced by A.
Protein change: p.Gly160Arg; replaces glycine 160 with arginine.
Molecular consequence: missense variant.
Genome position (GRCh38, 1-based): chr13:20,223,003, C>T on the plus strand (G>A on the coding strand, the complement: GJB6 is on the minus strand). VCF-style: chr13-20223003-C-T. GRCh37 (hg19) VCF-style: chr13-20797142-C-T.
Other names: c.478G>A, p.Gly160Arg (NM_001110220.3, NM_001110221.3, NM_001370090.1 and 3 more transcripts); short protein forms G160R.
Identifiers: ClinVar variation 3391575 (VCV003391575.1).